The following is an entry in ClinVar:

NM_002691.4(POLD1):c.1078T>C (p.Cys360Arg)

Gene: POLD1 (DNA polymerase delta 1, catalytic subunit; plus strand). Cytogenetic location: 19q13.33.
Variant type: single nucleotide variant.
Coding change: c.1078T>C on transcript NM_002691.4 (MANE Select); coding-DNA position 1078, T replaced by C.
Protein change: p.Cys360Arg; replaces cysteine 360 with arginine.
Molecular consequence: missense variant. On other transcripts: non-coding transcript variant (1).
Genome position (GRCh38, 1-based): chr19:50,403,160, T>C. VCF-style: chr19-50403160-T-C. GRCh37 (hg19) VCF-style: chr19-50906417-T-C.
Other names: c.1078T>C, p.Cys360Arg (NM_001256849.1, NM_001308632.1); short protein forms C360R.
Identifiers: ClinVar variation 2561586 (VCV002561586.2), dbSNP rs2513973711, ClinGen allele CA406978280.

ClinVar aggregate classification (germline): Uncertain significance (1 of 4 stars; one submission).

Conditions:
Hereditary cancer-predisposing syndrome. Also called: Neoplastic Syndromes, Hereditary; Hereditary Cancer Syndrome; Hereditary neoplastic syndrome; Tumor predisposition. Identifiers: Orphanet 140162, MedGen C0027672, MeSH D009386, MONDO:0015356.

Submission:

Ambry Genetics
Classification: Uncertain significance for Hereditary cancer-predisposing syndrome. Last evaluated: 2023-03-22. Review status: criteria provided, single submitter. Criteria: Ambry Variant Classification Scheme 2023. Collection method: clinical testing. Allele origin: germline.
Comment: The p.C360R variant (also known as c.1078T>C), located in coding exon 8 of the POLD1 gene, results from a T to C substitution at nucleotide position 1078. The cysteine at codon 360 is replaced by arginine, an amino acid with highly dissimilar properties. This amino acid position is conserved. In addition, the in silico prediction for this alteration is inconclusive. Since supporting evidence is limited at this time, the clinical significance of this alteration remains unclear.